The following is an entry in ClinVar:

NM_004385.5(VCAN):c.6542C>A (p.Ser2181Tyr)

Genes: VCAN (versican; plus strand), VCAN-AS1 (VCAN antisense RNA 1; minus strand). Cytogenetic location: 5q14.3.
Variant type: single nucleotide variant.
Coding change: c.6542C>A on transcript NM_004385.5 (MANE Select); coding-DNA position 6542, C replaced by A.
Protein change: p.Ser2181Tyr; replaces serine 2181 with tyrosine.
Molecular consequence: missense variant. On other transcripts: intron variant (2).
Genome position (GRCh38, 1-based): chr5:83,539,545, C>A. VCF-style: chr5-83539545-C-A. GRCh37 (hg19) VCF-style: chr5-82835364-C-A.
Other names: c.3581C>A, p.Ser1194Tyr (NM_001164097.2); c.4004-5992C>A (NM_001164098.2); c.1043-5992C>A (NM_001126336.3); short protein forms S2181Y, S1194Y.
Identifiers: ClinVar variation 1956181 (VCV001956181.5), dbSNP rs1489718469, ClinGen allele CA360312799.

ClinVar aggregate classification (germline): Uncertain significance (1 of 4 stars; one submission).

Allele frequency attached by ClinVar (database versions not stated): TOPMed 0.00001.
gnomAD v4.1: 3 of 1,614,046 alleles (0.00019%); highest among the groups gnomAD compares: Non-Finnish European, 0.00025%; no homozygotes.

Submission:

Labcorp Genetics (formerly Invitae), Labcorp
Classification: Uncertain significance. Last evaluated: 2024-08-05. Review status: criteria provided, single submitter. Criteria: Invitae Variant Classification Sherloc (09022015). Collection method: clinical testing. Allele origin: germline.
Comment: This sequence change replaces serine, which is neutral and polar, with tyrosine, which is neutral and polar, at codon 2181 of the VCAN protein (p.Ser2181Tyr). This variant is present in population databases (no rsID available, gnomAD 0.0009%). This variant has not been reported in the literature in individuals affected with VCAN-related conditions. ClinVar contains an entry for this variant (Variation ID: 1956181). An algorithm developed to predict the effect of missense changes on protein structure and function (PolyPhen-2) suggests that this variant is likely to be disruptive. In summary, the available evidence is currently insufficient to determine the role of this variant in disease. Therefore, it has been classified as a Variant of Uncertain Significance.